The following is an entry in ClinVar:

ClinVar aggregate classification (germline): Uncertain significance (1 of 4 stars; one submission).

Allele frequency attached by ClinVar (database versions not stated): gnomAD exomes 0.00001.
gnomAD v4.1: 3 of 1,608,552 alleles (0.00019%); highest among the groups gnomAD compares: Non-Finnish European, 0.00025%; no homozygotes.

Submission:

Labcorp Genetics (formerly Invitae), Labcorp
Classification: Uncertain significance. Last evaluated: 2022-01-13. Review status: criteria provided, single submitter. Criteria: Invitae Variant Classification Sherloc (09022015). Collection method: clinical testing. Allele origin: germline.
Comment: This variant is present in population databases (no rsID available, gnomAD 0.001%). Algorithms developed to predict the effect of missense changes on protein structure and function are either unavailable or do not agree on the potential impact of this missense change (SIFT: "Deleterious"; PolyPhen-2: "Probably Damaging"; Align-GVGD: "Class C0"). This variant has not been reported in the literature in individuals affected with WDR62-related conditions. This sequence change replaces lysine, which is basic and polar, with threonine, which is neutral and polar, at codon 17 of the WDR62 protein (p.Lys17Thr). In summary, the available evidence is currently insufficient to determine the role of this variant in disease. Therefore, it has been classified as a Variant of Uncertain Significance.

NM_001083961.2(WDR62):c.50A>C (p.Lys17Thr)

Gene: WDR62 (WD repeat domain 62; plus strand). Cytogenetic location: 19q13.12.
Variant type: single nucleotide variant.
Coding change: c.50A>C on transcript NM_001083961.2 (MANE Select); coding-DNA position 50, A replaced by C.
Protein change: p.Lys17Thr; replaces lysine 17 with threonine.
Molecular consequence: missense variant.
Genome position (GRCh38, 1-based): chr19:36,055,021, A>C. VCF-style: chr19-36055021-A-C. GRCh37 (hg19) VCF-style: chr19-36545923-A-C.
Other names: c.50A>C, p.Lys17Thr (NM_001411145.1, NM_001411146.1, NM_001411147.1 and 1 more transcripts); short protein forms K17T.
Identifiers: ClinVar variation 2081863 (VCV002081863.4), dbSNP rs1419157907, ClinGen allele CA405422482.